The following is an entry in ClinVar:

ClinVar aggregate classification (germline): Likely benign. Review status: criteria provided, multiple submitters, no conflicts (2 of 4 stars). 3 submissions from 2 submitters: Likely benign (3). Last evaluated 2019-11-29.

Conditions:
Aortic aneurysm, familial thoracic 4 (AAT4). Also called: AORTIC ANEURYSM/AORTIC DISSECTION AND PATENT DUCTUS ARTERIOSUS. Identifiers: MedGen C1851504, MONDO:0007568, OMIM 132900.
Lissencephaly 4 (LIS4). Also called: Lissencephaly 4 (with microcephaly). Identifiers: Orphanet 1083, MedGen C3151461, MONDO:0013527, OMIM 614019.

Allele frequency attached by ClinVar (database versions not stated): ESP Exome Variant Server 0.00262; TOPMed 0.00291; 1000 Genomes Project 0.00419; 1000 Genomes Project 30x 0.00515.
gnomAD v4.1: 812 of 1,613,300 alleles (0.05%); highest among the groups gnomAD compares: African/African-American, 0.94%; 5 homozygotes.

Submissions (3):

GeneDx
Classification: Likely benign. Last evaluated: 2019-11-29. Review status: criteria provided, single submitter. Criteria: GeneDx Variant Classification Process June 2021. Collection method: clinical testing. Allele origin: germline. Affected: yes.

Illumina Laboratory Services, Illumina
Classification: Likely benign for Aortic aneurysm, familial thoracic 4. Last evaluated: 2018-01-13. Review status: criteria provided, single submitter. Criteria: ICSL Variant Classification Criteria 13 December 2019. Collection method: clinical testing. Allele origin: germline.
Comment: This variant was observed in the ICSL laboratory as part of a predisposition screen in an ostensibly healthy population. It had not been previously curated by ICSL or reported in the Human Gene Mutation Database (HGMD: prior to June 1st, 2018), and was therefore a candidate for classification through an automated scoring system. Utilizing variant allele frequency, disease prevalence and penetrance estimates, and inheritance mode, an automated score was calculated to assess if this variant is too frequent to cause the disease. Based on the score and internal cut-off values, a variant classified as likely benign is not then subjected to further curation. The score for this variant resulted in a classification of likely benign for this disease.

Illumina Laboratory Services, Illumina
Classification: Likely benign for Lissencephaly 4. Last evaluated: 2018-01-13. Review status: criteria provided, single submitter. Criteria: ICSL Variant Classification Criteria 13 December 2019. Collection method: clinical testing. Allele origin: germline.
Comment: the same text as in the submission from Illumina Laboratory Services, Illumina above.

NM_002474.3(MYH11):c.4116+29A>G

Genes: MYH11 (myosin heavy chain 11; minus strand), NDE1 (nudE neurodevelopment protein 1; plus strand). Cytogenetic location: 16p13.11.
Variant type: single nucleotide variant.
Coding change: c.4116+29A>G on transcript NM_002474.3 (MANE Select); 29 bases into the intron after coding-DNA position 4116, A replaced by G.
Molecular consequence: intron variant. On other transcripts: 3 prime UTR variant (2).
Genome position (GRCh38, 1-based): chr16:15,724,618, T>C on the plus strand (A>G on the coding strand, the complement: MYH11 is on the minus strand). VCF-style: chr16-15724618-T-C. GRCh37 (hg19) VCF-style: chr16-15818475-T-C.
Other names: c.*367T>C (NM_001143979.2, NM_017668.3); c.4116+29A>G (NM_022844.3); c.4137+29A>G (NM_001040114.2, NM_001040113.2).
Identifiers: ClinVar variation 318122 (VCV000318122.8), dbSNP rs138543179, ClinGen allele CA7921774.